The following is an entry in ClinVar:

ClinVar aggregate classification (germline): Uncertain significance. Review status: criteria provided, multiple submitters, no conflicts (2 of 4 stars). 3 submissions from 3 submitters: Uncertain significance (3). Last evaluated 2025-01-22.

Conditions:
Upshaw-Schulman syndrome (TTP). Also called: THROMBOTIC THROMBOCYTOPENIC PURPURA, HEREDITARY; Congenital thrombotic thrombocytopenic purpura. Identifiers: Orphanet 93583, MedGen C1268935, MONDO:0010122, OMIM 274150.

Allele frequency attached by ClinVar (database versions not stated): gnomAD exomes 0.00001; TOPMed 0.00001.
gnomAD v4.1: 7 of 1,612,052 alleles (0.00043%); highest among the groups gnomAD compares: Non-Finnish European, 0.00059%; no homozygotes.

Submissions (3):

Mayo Clinic Laboratories, Mayo Clinic
Classification: Uncertain significance. Last evaluated: 2025-01-22. Review status: criteria provided, single submitter. Criteria: ACMG Guidelines, 2015. Collection method: clinical testing. Allele origin: germline. Observed: 1 variant allele.
Comment: PM1_supporting, PM2_supporting

Fulgent Genetics
Classification: Uncertain significance for Upshaw-Schulman syndrome. Last evaluated: 2024-02-28. Review status: criteria provided, single submitter. Criteria: ACMG Guidelines, 2015. Collection method: clinical testing. Allele origin: germline.

MVZ Medizinische Genetik Mainz
Classification: Uncertain significance for Upshaw-Schulman syndrome. Last evaluated: 2021-10-14. Review status: criteria provided, single submitter. Criteria: UK Practice Guidelines For Variant Classification V4 01 2020. Collection method: clinical testing. Allele origin: germline. Inheritance: Autosomal recessive inheritance. Affected: yes. Observed: 1 variant allele.
Comment: ACMG Criteria: PM2_SUP, PP4

NM_139027.6(ADAMTS13):c.3633C>G (p.Asn1211Lys)

Gene: ADAMTS13 (ADAM metallopeptidase with thrombospondin type 1 motif 13; plus strand). Cytogenetic location: 9q34.2.
Variant type: single nucleotide variant.
Coding change: c.3633C>G on transcript NM_139027.6 (MANE Select); coding-DNA position 3633, C replaced by G.
Protein change: p.Asn1211Lys; replaces asparagine 1211 with lysine.
Molecular consequence: missense variant. On other transcripts: non-coding transcript variant (1).
Genome position (GRCh38, 1-based): chr9:133,456,628, C>G. VCF-style: chr9-133456628-C-G. GRCh37 (hg19) VCF-style: chr9-136321750-C-G.
Other names: p.Asn1267Lys; c.3801C>G, p.Asn1267Lys (NM_139025.5); c.3540C>G, p.Asn1180Lys (NM_139026.6); short protein forms N1180K, N1211K, N1267K.
Identifiers: ClinVar variation 3068376 (VCV003068376.3), dbSNP rs1842763401, ClinGen allele CA375417401.